The following is an entry in ClinVar:

ClinVar aggregate classification (germline): Conflicting classifications of pathogenicity. Review status: criteria provided, conflicting classifications (1 of 4 stars). 4 submissions from 4 submitters: Uncertain significance (2); Likely benign (1). 1 of the submissions does not count toward it. Last evaluated 2025-04-29.

Conditions:
Hereditary cancer-predisposing syndrome. Also called: Neoplastic Syndromes, Hereditary; Tumor predisposition; Hereditary Cancer Syndrome; Hereditary neoplastic syndrome. Identifiers: Orphanet 140162, MedGen C0027672, MeSH D009386, MONDO:0015356.
Hereditary breast ovarian cancer syndrome. Also called: Hereditary breast and ovarian cancer; Hereditary breast and/or ovarian cancer syndrome; BRCA1- and BRCA2-Associated Hereditary Breast and Ovarian Cancer; Breast and ovarian cancer; Hereditary breast and ovarian cancer syndrome; Hereditary breast and ovarian cancer syndrome (HBOC). Identifiers: Orphanet 145, MedGen C0677776, MeSH D061325, MONDO:0003582. Disease mechanism: loss of function.
Breast-ovarian cancer, familial, susceptibility to, 2 (BROVCA2). Also called: BRCA2 Hereditary Breast and Ovarian Cancer. Identifiers: Orphanet 145, MedGen C2675520, MONDO:0012933, OMIM 612555. Disease mechanism: loss of function.

Submissions (4):

Ambry Genetics
Classification: Likely benign for Hereditary cancer-predisposing syndrome. Last evaluated: 2025-04-29. Review status: criteria provided, single submitter. Criteria: Ambry Variant Classification Scheme 2023. Collection method: clinical testing. Allele origin: germline.

Blueprint Genetics
Classification: Uncertain significance. Last evaluated: 2023-03-27. Review status: criteria provided, single submitter. Criteria: ACMG Guidelines, 2015. Collection method: clinical testing. Allele origin: germline.

Labcorp Genetics (formerly Invitae), Labcorp
Classification: Uncertain significance for Hereditary breast ovarian cancer syndrome. Last evaluated: 2022-12-02. Review status: criteria provided, single submitter. Criteria: Invitae Variant Classification Sherloc (09022015). Collection method: clinical testing. Allele origin: germline.
Comment: In summary, the available evidence is currently insufficient to determine the role of this variant in disease. Therefore, it has been classified as a Variant of Uncertain Significance. Advanced modeling of protein sequence and biophysical properties (such as structural, functional, and spatial information, amino acid conservation, physicochemical variation, residue mobility, and thermodynamic stability) performed at Invitae indicates that this missense variant is not expected to disrupt BRCA2 protein function. ClinVar contains an entry for this variant (Variation ID: 827175). This variant has not been reported in the literature in individuals affected with BRCA2-related conditions. This variant is not present in population databases (gnomAD no frequency). This sequence change replaces asparagine, which is neutral and polar, with lysine, which is basic and polar, at codon 2553 of the BRCA2 protein (p.Asn2553Lys).

BRCAlab, Lund University
Classification: Uncertain significance for Breast-ovarian cancer, familial, susceptibility to, 2. Last evaluated: 2020-03-02. Review status: no assertion criteria provided. Collection method: clinical testing. Allele origin: germline. Affected: yes. Not counted in ClinVar's aggregate classification.

NM_000059.4(BRCA2):c.7659C>G (p.Asn2553Lys)

Gene: BRCA2 (BRCA2 DNA repair associated; plus strand). Cytogenetic location: 13q13.1.
Variant type: single nucleotide variant.
Coding change: c.7659C>G on transcript NM_000059.4 (MANE Select); coding-DNA position 7659, C replaced by G.
Protein change: p.Asn2553Lys; replaces asparagine 2553 with lysine.
Molecular consequence: missense variant.
Genome position (GRCh38, 1-based): chr13:32,357,783, C>G. VCF-style: chr13-32357783-C-G. GRCh37 (hg19) VCF-style: chr13-32931920-C-G.
Other names: short protein forms N2553K.
Identifiers: ClinVar variation 827175 (VCV000827175.9), dbSNP rs1593920730, ClinGen allele CA387744980.
Genomic context (GRCh38, chr13:32,357,783, plus strand): 5'-GTGTGTTTATTTTGTGTAGCTGTATACGTATGGCGTTTCTAAACATTGCATAAAAATTAA[C>G]AGCAAAAATGCAGAGTCTTTTCAGTTTCACACTGAAGATTATTTTGGTAAGGAAAGTTTA-3'
Protein context (NP_000050.3, residues 2543-2563): YGVSKHCIKI[Asn2553Lys]SKNAESFQFH